The following is an entry in ClinVar:

NM_001127222.2(CACNA1A):c.1882G>A (p.Ala628Thr)

Gene: CACNA1A (calcium voltage-gated channel subunit alpha1 A; minus strand). Cytogenetic location: 19p13.13.
Variant type: single nucleotide variant.
Coding change: c.1882G>A on transcript NM_001127222.2 (MANE Select); coding-DNA position 1882, G replaced by A.
Protein change: p.Ala628Thr; replaces alanine 628 with threonine.
Molecular consequence: missense variant.
Genome position (GRCh38, 1-based): chr19:13,308,151, C>T on the plus strand (G>A on the coding strand, the complement: CACNA1A is on the minus strand). VCF-style: chr19-13308151-C-T. GRCh37 (hg19) VCF-style: chr19-13418965-C-T.
Other names: c.1885G>A, p.Ala629Thr (NM_000068.4, NM_001127221.2, NM_001174080.2 and 1 more transcripts); short protein forms A628T, A629T.
Identifiers: ClinVar variation 1051890 (VCV001051890.10), dbSNP rs577006493, ClinGen allele CA9240707.

ClinVar aggregate classification (germline): Pathogenic/Likely pathogenic. Review status: criteria provided, multiple submitters, no conflicts (2 of 4 stars). 2 submissions from 2 submitters: Pathogenic (1); Likely pathogenic (1). Last evaluated 2026-03-24.

Conditions:
Developmental and epileptic encephalopathy, 42 (DEE42A). Also called: DEVELOPMENTAL AND EPILEPTIC ENCEPHALOPATHY 42A; EPILEPTIC ENCEPHALOPATHY, EARLY INFANTILE, 42A; Epileptic encephalopathy, early infantile, 42. Identifiers: MedGen C4310716, MONDO:0014917, OMIM 617106.
Episodic ataxia type 2 (EA2). Also called: CEREBELLAR ATAXIA, PAROXYSMAL, ACETAZOLAMIDE-RESPONSIVE; CEREBELLOPATHY, HEREDITARY PAROXYSMAL; EPISODIC ATAXIA, NYSTAGMUS-ASSOCIATED; ACETAZOLAMIDE-RESPONSIVE HEREDITARY PAROXYSMAL CEREBELLAR ATAXIA; ATAXIA, EPISODIC, WITH NYSTAGMUS; ATAXIA, FAMILIAL PAROXYSMAL. Identifiers: Orphanet 97, MedGen C1720416, MONDO:0007163, OMIM 108500.

Allele frequency attached by ClinVar (database versions not stated): gnomAD 0.00001; 1000 Genomes Project 0.00020; gnomAD exomes 0.00001; 1000 Genomes Project 30x 0.00016; ExAC 0.00001.
gnomAD v4.1: 1 of 1,613,894 alleles (0.000062%); highest among the groups gnomAD compares: African/African-American, 0.0013%; no homozygotes.

Submissions (2):

Institute of Human Genetics, University of Leipzig Medical Center
Classification: Likely pathogenic for Developmental and epileptic encephalopathy, 42. Last evaluated: 2026-03-24. Review status: criteria provided, single submitter. Criteria: ACMG Guidelines, 2015. Collection method: clinical testing. Allele origin: de novo. Affected: yes.
Comment: Criteria applied: PS2_MOD, PM1_SUP, PM2_SUP, PP2, PP3

Labcorp Genetics (formerly Invitae), Labcorp
Classification: Pathogenic for Developmental and epileptic encephalopathy, 42; Episodic ataxia type 2. Last evaluated: 2024-11-05. Review status: criteria provided, single submitter. Criteria: Invitae Variant Classification Sherloc (09022015). Collection method: clinical testing. Allele origin: germline.
Comment: This sequence change replaces alanine, which is neutral and non-polar, with threonine, which is neutral and polar, at codon 629 of the CACNA1A protein (p.Ala629Thr). This variant is present in population databases (rs577006493, gnomAD 0.007%). This missense change has been observed in individual(s) with CACNA1A-related conditions (internal data). In at least one individual the variant was observed to be de novo. ClinVar contains an entry for this variant (Variation ID: 1051890). Invitae Evidence Modeling of protein sequence and biophysical properties (such as structural, functional, and spatial information, amino acid conservation, physicochemical variation, residue mobility, and thermodynamic stability) indicates that this missense variant is expected to disrupt CACNA1A protein function with a positive predictive value of 95%. This variant disrupts the p.Ala629 amino acid residue in CACNA1A. Other variant(s) that disrupt this residue have been determined to be pathogenic (PMID: 32238909). This suggests that this residue is clinically significant, and that variants that disrupt this residue are likely to be disease-causing. For these reasons, this variant has been classified as Pathogenic.

Literature cited by the submitters: PubMed 32238909 (cited by Labcorp Genetics (formerly Invitae), Labcorp).